The following is an entry in ClinVar:

NM_000489.6(ATRX):c.2761G>T (p.Val921Phe)

Gene: ATRX (ATRX chromatin remodeler; minus strand). Cytogenetic location: Xq21.1.
Variant type: single nucleotide variant.
Coding change: c.2761G>T on transcript NM_000489.6 (MANE Select); coding-DNA position 2761, G replaced by T.
Protein change: p.Val921Phe; replaces valine 921 with phenylalanine.
Molecular consequence: missense variant.
Genome position (GRCh38, 1-based): chrX:77,682,495, C>A on the plus strand (G>T on the coding strand, the complement: ATRX is on the minus strand). VCF-style: chrX-77682495-C-A. GRCh37 (hg19) VCF-style: chrX-76937987-C-A.
Other names: c.2647G>T, p.Val883Phe (NM_138270.5); c.2761G>T (NM_000489.3); short protein forms V921F, V883F.
Identifiers: ClinVar variation 133658 (VCV000133658.30), dbSNP rs587778088, ClinGen allele CA157238.

ClinVar aggregate classification (germline): Conflicting classifications of pathogenicity. Review status: criteria provided, conflicting classifications (1 of 4 stars). 4 submissions from 4 submitters: Uncertain significance (2); Likely benign (1). 1 of the submissions does not count toward it. Last evaluated 2025-10-24.

Conditions:
Inborn genetic diseases. Identifiers: MedGen C0950123, MeSH D030342.
Alpha thalassemia-X-linked intellectual disability syndrome (ATRX). Also called: X-linked alpha-thalassemia-mental retardation syndrome; ALPHA-THALASSEMIA/MENTAL RETARDATION SYNDROME, X-LINKED; ATR, NONDELETION TYPE; ATR-X syndrome; Alpha thalassemia mental retardation syndrome, nondeletion type, X-linked; XLMR hypotonic face syndrome. Identifiers: Orphanet 847, MedGen C1845055, MONDO:0010519, OMIM 301040.

Allele frequency attached by ClinVar (database versions not stated): gnomAD 0.00001.
gnomAD v4.1: 28 of 1,209,818 alleles (0.0023%); highest among the groups gnomAD compares: Non-Finnish European, 0.0029%; no homozygotes.

Submissions (4):

Labcorp Genetics (formerly Invitae), Labcorp
Classification: Uncertain significance for Alpha thalassemia-X-linked intellectual disability syndrome. Last evaluated: 2025-10-24. Review status: criteria provided, single submitter. Criteria: Invitae Variant Classification Sherloc (09022015). Collection method: clinical testing. Allele origin: germline.
Comment: This sequence change replaces valine, which is neutral and non-polar, with phenylalanine, which is neutral and non-polar, at codon 921 of the ATRX protein (p.Val921Phe). This variant is not present in population databases (gnomAD no frequency). This variant has not been reported in the literature in individuals affected with ATRX-related conditions. ClinVar contains an entry for this variant (Variation ID: 133658). Invitae Evidence Modeling of protein sequence and biophysical properties (such as structural, functional, and spatial information, amino acid conservation, physicochemical variation, residue mobility, and thermodynamic stability) indicates that this missense variant is not expected to disrupt ATRX protein function with a negative predictive value of 95%. In summary, the available evidence is currently insufficient to determine the role of this variant in disease. Therefore, it has been classified as a Variant of Uncertain Significance.

Ambry Genetics
Classification: Uncertain significance for Inborn genetic diseases. Last evaluated: 2024-05-16. Review status: criteria provided, single submitter. Criteria: Ambry Variant Classification Scheme 2023. Collection method: clinical testing. Allele origin: germline.

CeGaT Center for Human Genetics Tuebingen
Classification: Likely benign. Last evaluated: 2022-06-01. Review status: criteria provided, single submitter. Criteria: CeGaT Center For Human Genetics Tuebingen Variant Classification Criteria Version 2. Collection method: clinical testing. Allele origin: germline. Affected: yes. Observed: 1 variant allele.
Comment: ATRX: PP2, BP4, BS2

ITMI
No classification provided. Condition: AllHighlyPenetrant. Last evaluated: 2013-09-19. Review status: no classification provided. Collection method: reference population. Allele origin: germline. Not counted in ClinVar's aggregate classification.
Comment: Please see associated publication for description of ethnicities

Literature cited by the submitters: PubMed 24728327 (cited by ITMI).